The following is an entry in ClinVar:

ClinVar aggregate classification (germline): Uncertain significance (1 of 4 stars; one submission).

Submission:

Ambry Genetics
Classification: Uncertain significance. Last evaluated: 2021-08-12. Review status: criteria provided, single submitter. Criteria: Ambry Variant Classification Scheme 2023. Collection method: clinical testing. Allele origin: germline.
Comment: The p.Q167R variant (also known as c.500A>G), located in coding exon 5 of the PKP4 gene, results from an A to G substitution at nucleotide position 500. The glutamine at codon 167 is replaced by arginine, an amino acid with highly similar properties. This amino acid position is conserved. In addition, the in silico prediction for this alteration is inconclusive. Since supporting evidence is limited at this time, the clinical significance of this alteration remains unclear.

NM_003628.6(PKP4):c.500A>G (p.Gln167Arg)

Gene: PKP4 (plakophilin 4; plus strand). Cytogenetic location: 2q24.1.
Variant type: single nucleotide variant.
Coding change: c.500A>G on transcript NM_003628.6 (MANE Select); coding-DNA position 500, A replaced by G.
Protein change: p.Gln167Arg; replaces glutamine 167 with arginine.
Molecular consequence: missense variant. On other transcripts: 5 prime UTR variant (1).
Genome position (GRCh38, 1-based): chr2:158,621,318, A>G. VCF-style: chr2-158621318-A-G. GRCh37 (hg19) VCF-style: chr2-159477830-A-G.
Other names: c.500A>G, p.Gln167Arg (NM_001005476.4, NM_001304969.3, NM_001304971.2 and 6 more transcripts); c.-450A>G (NM_001304970.3); c.494A>G, p.Gln165Arg (NM_001377222.1, NM_001377223.1, NM_001377224.1); short protein forms Q167R, Q165R.
Identifiers: ClinVar variation 1744749 (VCV001744749.2), dbSNP rs2529577699, ClinGen allele CA348904524.